The following is an entry in ClinVar:

ClinVar aggregate classification (germline): Pathogenic. Review status: criteria provided, multiple submitters, no conflicts (2 of 4 stars). 3 submissions from 3 submitters: Pathogenic (3). Last evaluated 2023-10-03.

Conditions:
Multiple mitochondrial dysfunctions syndrome 3 (MMDS3). Identifiers: Orphanet 363424, MedGen C3809165, MONDO:0014132, OMIM 615330.
Hereditary spastic paraplegia 74. Also called: Spastic paraplegia 74, autosomal recessive. Identifiers: Orphanet 468661, MedGen C5568837, MONDO:0014644, OMIM 616451.

Allele frequency attached by ClinVar (database versions not stated): gnomAD 0.00003 and 0.00004; gnomAD exomes 0.00003.
gnomAD v4.1: 9 of 1,533,898 alleles (0.00059%); highest among the groups gnomAD compares: East Asian, 0.02%; no homozygotes.

Submissions (3):

Labcorp Genetics (formerly Invitae), Labcorp
Classification: Pathogenic for Multiple mitochondrial dysfunctions syndrome 3; Hereditary spastic paraplegia 74. Last evaluated: 2023-10-03. Review status: criteria provided, single submitter. Criteria: Invitae Variant Classification Sherloc (09022015). Collection method: clinical testing. Allele origin: germline.
Comment: This sequence change creates a premature translational stop signal (p.Gln103*) in the IBA57 gene. It is expected to result in an absent or disrupted protein product. Loss-of-function variants in IBA57 are known to be pathogenic (PMID: 23462291, 25971455, 27785568, 28671726). This variant is present in population databases (rs778374267, gnomAD 0.08%). This premature translational stop signal has been observed in individual(s) with IBA57-related conditions (PMID: 28671726). ClinVar contains an entry for this variant (Variation ID: 1202371). For these reasons, this variant has been classified as Pathogenic.

GeneDx
Classification: Pathogenic. Last evaluated: 2020-12-17. Review status: criteria provided, single submitter. Criteria: GeneDx Variant Classification Process June 2021. Collection method: clinical testing. Allele origin: germline. Affected: yes.
Comment: Nonsense variant predicted to result in protein truncation or nonsense mediated decay in a gene for which loss-of-function is a known mechanism of disease; This variant is associated with the following publications: (PMID: 28671726, 30770271)

Juno Genomics, Hangzhou Juno Genomics, Inc
Classification: Pathogenic for Hereditary spastic paraplegia 74; Multiple mitochondrial dysfunctions syndrome 3. Review status: criteria provided, single submitter. Criteria: ACMG Guidelines, 2015. Collection method: clinical testing. Allele origin: germline.
Comment: Null variant in a gene where loss of function (LOF) is a known mechanism of disease.;For recessive disorders, detected in trans with a pathogenic variant.

Literature cited by the submitters: PubMed 23462291 (cited by Labcorp Genetics (formerly Invitae), Labcorp); PubMed 25971455 (cited by Labcorp Genetics (formerly Invitae), Labcorp); PubMed 27785568 (cited by Labcorp Genetics (formerly Invitae), Labcorp); PubMed 28671726 (cited by Labcorp Genetics (formerly Invitae), Labcorp).

NM_001010867.4(IBA57):c.307C>T (p.Gln103Ter)

Gene: IBA57 (iron-sulfur cluster assembly factor IBA57; plus strand). Cytogenetic location: 1q42.13.
Variant type: single nucleotide variant.
Coding change: c.307C>T on transcript NM_001010867.4 (MANE Select); coding-DNA position 307, C replaced by T.
Protein change: p.Gln103Ter; replaces glutamine 103 with a stop codon.
Molecular consequence: nonsense.
Genome position (GRCh38, 1-based): chr1:228,166,123, C>T. VCF-style: chr1-228166123-C-T. GRCh37 (hg19) VCF-style: chr1-228353824-C-T.
Other names: short protein forms Q103*.
Identifiers: ClinVar variation 1202371 (VCV001202371.10), dbSNP rs778374267, ClinGen allele CA1431100.